The following is an entry in ClinVar:

ClinVar aggregate classification (germline): Uncertain significance (1 of 4 stars; one submission).

gnomAD v4.1: 1 of 1,614,064 alleles (0.000062%); highest among the groups gnomAD compares: Non-Finnish European, 0.000085%; no homozygotes.

Submission:

Labcorp Genetics (formerly Invitae), Labcorp
Classification: Uncertain significance. Last evaluated: 2023-08-04. Review status: criteria provided, single submitter. Criteria: Invitae Variant Classification Sherloc (09022015). Collection method: clinical testing. Allele origin: germline.
Comment: In summary, the available evidence is currently insufficient to determine the role of this variant in disease. Therefore, it has been classified as a Variant of Uncertain Significance. An algorithm developed to predict the effect of missense changes on protein structure and function (PolyPhen-2) suggests that this variant is likely to be tolerated. ClinVar contains an entry for this variant (Variation ID: 1462919). This variant has not been reported in the literature in individuals affected with MCM4-related conditions. This variant is not present in population databases (gnomAD no frequency). This sequence change replaces valine, which is neutral and non-polar, with alanine, which is neutral and non-polar, at codon 99 of the MCM4 protein (p.Val99Ala).

NM_182746.3(MCM4):c.296T>C (p.Val99Ala)

Gene: MCM4 (minichromosome maintenance complex component 4; plus strand). Cytogenetic location: 8q11.21.
Variant type: single nucleotide variant.
Coding change: c.296T>C on transcript NM_182746.3 (MANE Select); coding-DNA position 296, T replaced by C.
Protein change: p.Val99Ala; replaces valine 99 with alanine.
Molecular consequence: missense variant.
Genome position (GRCh38, 1-based): chr8:47,962,113, T>C. VCF-style: chr8-47962113-T-C. GRCh37 (hg19) VCF-style: chr8-48874673-T-C.
Other names: c.296T>C, p.Val99Ala (NM_005914.4); short protein forms V99A.
Identifiers: ClinVar variation 1462919 (VCV001462919.6), dbSNP rs2154504995, ClinGen allele CA371145318.